The following is an entry in ClinVar:

ClinVar aggregate classification (germline): Uncertain significance (1 of 4 stars; one submission).

gnomAD v4.1: 3 of 1,613,898 alleles (0.00019%); highest among the groups gnomAD compares: African/African-American, 0.0027%; no homozygotes.

Submission:

Labcorp Genetics (formerly Invitae), Labcorp
Classification: Uncertain significance. Last evaluated: 2025-03-19. Review status: criteria provided, single submitter. Criteria: Invitae Variant Classification Sherloc (09022015). Collection method: clinical testing. Allele origin: germline.
Comment: This sequence change replaces asparagine, which is neutral and polar, with serine, which is neutral and polar, at codon 72 of the SETBP1 protein (p.Asn72Ser). This variant is present in population databases (no rsID available, gnomAD 0.0009%). This variant has not been reported in the literature in individuals affected with SETBP1-related conditions. An algorithm developed to predict the effect of missense changes on protein structure and function (PolyPhen-2) suggests that this variant is likely to be tolerated. In summary, the available evidence is currently insufficient to determine the role of this variant in disease. Therefore, it has been classified as a Variant of Uncertain Significance.

NM_015559.3(SETBP1):c.215A>G (p.Asn72Ser)

Gene: SETBP1 (SET binding protein 1; plus strand). Cytogenetic location: 18q12.3.
Variant type: single nucleotide variant.
Coding change: c.215A>G on transcript NM_015559.3 (MANE Select); coding-DNA position 215, A replaced by G.
Protein change: p.Asn72Ser; replaces asparagine 72 with serine.
Molecular consequence: missense variant.
Genome position (GRCh38, 1-based): chr18:44,701,561, A>G. VCF-style: chr18-44701561-A-G. GRCh37 (hg19) VCF-style: chr18-42281526-A-G.
Other names: c.215A>G, p.Asn72Ser (NM_001130110.2, NM_001379141.1, NM_001379142.1 and 1 more transcripts); short protein forms N72S.
Identifiers: ClinVar variation 4747946 (VCV004747946.1).